The following is an entry in ClinVar:

NM_006017.3(PROM1):c.1491G>T (p.Leu497Phe)

Gene: PROM1 (prominin 1; minus strand). Cytogenetic location: 4p15.32.
Variant type: single nucleotide variant.
Coding change: c.1491G>T on transcript NM_006017.3 (MANE Select); coding-DNA position 1491, G replaced by T.
Protein change: p.Leu497Phe; replaces leucine 497 with phenylalanine.
Molecular consequence: missense variant.
Genome position (GRCh38, 1-based): chr4:16,000,583, C>A on the plus strand (G>T on the coding strand, the complement: PROM1 is on the minus strand). VCF-style: chr4-16000583-C-A. GRCh37 (hg19) VCF-style: chr4-16002206-C-A.
Other names: c.1464G>T, p.Leu488Phe (NM_001145847.2, NM_001145848.2, NM_001145851.2 and 4 more transcripts); c.1491G>T, p.Leu497Phe (NM_001145849.2, NM_001145850.2); short protein forms L497F, L488F.
Identifiers: ClinVar variation 347991 (VCV000347991.15), dbSNP rs200520976, ClinGen allele CA2866747.

ClinVar aggregate classification (germline): Conflicting classifications of pathogenicity. Review status: criteria provided, conflicting classifications (1 of 4 stars). 8 submissions from 5 submitters: Uncertain significance (3); Benign (2); Likely benign (3). Last evaluated 2026-01-24.

Conditions:
PROM1-related disorder. Also called: PROM1-related condition; PROM1-related disorders.
Inborn genetic diseases. Identifiers: MedGen C0950123, MeSH D030342.
Cone-rod dystrophy 12 (CORD12). Identifiers: Orphanet 1872, MedGen C2675210, MONDO:0012983, OMIM 612657.
Retinal macular dystrophy type 2 (MCDR2). Also called: Bull's eye macular dystrophy. Identifiers: Orphanet 319640, MedGen C4749334, MONDO:0011957, OMIM 608051.
Stargardt disease 4 (STGD4). Identifiers: Orphanet 827, MedGen C1863534, MONDO:0011370, OMIM 603786.
Retinitis pigmentosa (RP). Identifiers: Orphanet 791, MedGen C0035334, MeSH D012174, MONDO:0019200, OMIM 268000. Inheritance: Autosomal dominant, autosomal recessive and X linked inheritance.

Allele frequency attached by ClinVar (database versions not stated): gnomAD exomes 0.00004 and 0.00017; ExAC 0.00024; 1000 Genomes Project 30x 0.00047; 1000 Genomes Project 0.00060; gnomAD 0.00066 and 0.00070; TOPMed 0.00074; ESP Exome Variant Server 0.00118.
gnomAD v4.1: 159 of 1,582,938 alleles (0.01%); highest among the groups gnomAD compares: African/African-American, 0.2%; 1 homozygote.

Submissions (8):

Labcorp Genetics (formerly Invitae), Labcorp
Classification: Benign. Last evaluated: 2026-01-24. Review status: criteria provided, single submitter. Criteria: Invitae Variant Classification Sherloc (09022015). Collection method: clinical testing. Allele origin: germline.

Ambry Genetics
Classification: Uncertain significance for Inborn genetic diseases. Last evaluated: 2025-08-01. Review status: criteria provided, single submitter. Criteria: Ambry Variant Classification Scheme 2023. Collection method: clinical testing. Allele origin: germline.

PreventionGenetics, part of Exact Sciences
Classification: Likely benign for PROM1-related condition. Last evaluated: 2025-02-27. Review status: criteria provided, single submitter. Criteria: ACMG Guidelines, 2015. Collection method: clinical testing. Allele origin: germline.
Comment: This variant is classified as likely benign based on ACMG/AMP sequence variant interpretation guidelines (Richards et al. 2015 PMID: 25741868, with internal and published modifications).

Blueprint Genetics
Classification: Likely benign. Last evaluated: 2024-03-12. Review status: criteria provided, single submitter. Criteria: ACMG Guidelines, 2015. Collection method: clinical testing. Allele origin: germline.

Illumina Laboratory Services, Illumina
Classification: Likely benign for Stargardt disease 4. Last evaluated: 2018-01-13. Review status: criteria provided, single submitter. Criteria: ICSL Variant Classification Criteria 13 December 2019. Collection method: clinical testing. Allele origin: germline.
Comment: This variant was observed in the ICSL laboratory as part of a predisposition screen in an ostensibly healthy population. It had not been previously curated by ICSL or reported in the Human Gene Mutation Database (HGMD: prior to June 1st, 2018), and was therefore a candidate for classification through an automated scoring system. Utilizing variant allele frequency, disease prevalence and penetrance estimates, and inheritance mode, an automated score was calculated to assess if this variant is too frequent to cause the disease. Based on the score and internal cut-off values, a variant classified as likely benign is not then subjected to further curation. The score for this variant resulted in a classification of likely benign for this disease.

Illumina Laboratory Services, Illumina
Classification: Benign for Cone-rod dystrophy 12. Last evaluated: 2018-01-13. Review status: criteria provided, single submitter. Criteria: ICSL Variant Classification Criteria 13 December 2019. Collection method: clinical testing. Allele origin: germline.
Comment: This variant was observed in the ICSL laboratory as part of a predisposition screen in an ostensibly healthy population. It had not been previously curated by ICSL or reported in the Human Gene Mutation Database (HGMD: prior to June 1st, 2018), and was therefore a candidate for classification through an automated scoring system. Utilizing variant allele frequency, disease prevalence and penetrance estimates, and inheritance mode, an automated score was calculated to assess if this variant is too frequent to cause the disease. Based on the score and internal cut-off values, a variant classified as benign is not then subjected to further curation. The score for this variant resulted in a classification of benign for this disease.

Illumina Laboratory Services, Illumina
Classification: Uncertain significance for Retinal macular dystrophy type 2. Last evaluated: 2018-01-13. Review status: criteria provided, single submitter. Criteria: ICSL Variant Classification Criteria 13 December 2019. Collection method: clinical testing. Allele origin: germline.

Illumina Laboratory Services, Illumina
Classification: Uncertain significance for Retinitis pigmentosa. Last evaluated: 2018-01-13. Review status: criteria provided, single submitter. Criteria: ICSL Variant Classification Criteria 13 December 2019. Collection method: clinical testing. Allele origin: germline.